The following is an entry in ClinVar:

ClinVar aggregate classification (germline): not provided (0 of 4 stars; one submission).

Submission:

ITMI
No classification provided. Condition: AllHighlyPenetrant. Last evaluated: 2013-09-19. Review status: no classification provided. Collection method: reference population. Allele origin: germline.
Comment: Please see associated publication for description of ethnicities

Literature cited by the submitters: PubMed 24728327.

NM_004380.3(CREBBP):c.964G>C (p.Val322Leu)

Gene: CREBBP (CREB binding protein; minus strand). Cytogenetic location: 16p13.3.
Variant type: single nucleotide variant.
Coding change: c.964G>C on transcript NM_004380.3 (MANE Select); coding-DNA position 964, G replaced by C.
Protein change: p.Val322Leu; replaces valine 322 with leucine.
Molecular consequence: missense variant.
Genome position (GRCh38, 1-based): chr16:3,810,614, C>G on the plus strand (G>C on the coding strand, the complement: CREBBP is on the minus strand). VCF-style: chr16-3810614-C-G. GRCh37 (hg19) VCF-style: chr16-3860615-C-G.
Other names: c.964G>C, p.Val322Leu (NM_001079846.1); short protein forms V322L.
Identifiers: ClinVar variation 133935 (VCV000133935.1), dbSNP rs587778212, ClinGen allele CA158190.